The following is an entry in ClinVar:

NM_002711.4(PPP1R3A):c.987A>G (p.Arg329=)

Gene: PPP1R3A (protein phosphatase 1 regulatory subunit 3A; minus strand). Cytogenetic location: 7q31.1.
Variant type: single nucleotide variant.
Coding change: c.987A>G on transcript NM_002711.4 (MANE Select); coding-DNA position 987, A replaced by G.
Protein change: p.Arg329=; no amino-acid change (arginine 329 retained).
Molecular consequence: synonymous variant.
Genome position (GRCh38, 1-based): chr7:113,880,105, T>C on the plus strand (A>G on the coding strand, the complement: PPP1R3A is on the minus strand). VCF-style: chr7-113880105-T-C. GRCh37 (hg19) VCF-style: chr7-113520160-T-C.
Identifiers: ClinVar variation 4820942 (VCV004820942.4).
Genomic context (GRCh38, chr7:113,880,105, plus strand): 5'-AAAATTGACTGGATCTGTTGAAAATGTATTCCTTTCATCTCTGGAAGCAGTACTTCTGGT[T>C]CTTATTAAGTGTTGATTTATCTTATGGGATAAAAACAACAAAGAAATAATGACCATAAGA-3'
Protein context (NP_002702.2, residues 319-339): LELMINQHLI[Arg329=]TRSTASRDER

ClinVar aggregate classification (germline): Likely benign (1 of 4 stars; one submission).

Submission:

CeGaT Center for Human Genetics Tuebingen
Classification: Likely benign. Last evaluated: 2026-02-01. Review status: criteria provided, single submitter. Criteria: CeGaT Center For Human Genetics Tuebingen Variant Classification Criteria Version 2. Collection method: clinical testing. Allele origin: germline. Affected: yes. Observed: 1 variant allele.
Comment: PPP1R3A: BP4, BS1